The following is an entry in ClinVar:

ClinVar aggregate classification (germline): Pathogenic. Review status: criteria provided, multiple submitters, no conflicts (2 of 4 stars). 2 submissions from 2 submitters: Pathogenic (2). Last evaluated 2026-06-08.

Conditions:
Rare genetic deafness. Identifiers: Orphanet 96210, MedGen C5680250.
STRC-related disorder. Also called: STRC-related condition.
Autosomal recessive nonsyndromic hearing loss 16. Also called: DFNB16 Nonsyndromic Hearing Loss and Deafness; DEAFNESS, AUTOSOMAL RECESSIVE 16. Identifiers: Orphanet 90636, MedGen C1863561, MONDO:0011364, OMIM 603720.

Allele frequency attached by ClinVar (database versions not stated): gnomAD 0.00007; 1000 Genomes Project 30x 0.00016; ExAC 0.00016.

Submissions (2):

PreventionGenetics, part of Exact Sciences
Classification: Pathogenic for STRC-related condition. Last evaluated: 2026-06-08. Review status: criteria provided, single submitter. Criteria: ACMG Guidelines, 2015. Collection method: clinical testing. Allele origin: germline.
Comment: The STRC c.379C>T variant is predicted to result in premature protein termination (p.Arg127*). This variant was reported in trans to a full gene STRC deletion in an individual with hearing loss (Simi et al. 2021. PubMed ID: 34111299). This variant is reported in 0.058% of alleles in individuals of European (Finnish) descent in gnomAD. Nonsense variants in STRC are expected to be pathogenic. This variant is interpreted as pathogenic.

Laboratory for Molecular Medicine, Mass General Brigham Personalized Medicine
Classification: Pathogenic for Rare genetic deafness. Last evaluated: 2016-09-01. Review status: criteria provided, single submitter. Criteria: LMM Criteria. Collection method: clinical testing. Allele origin: germline. Inheritance: Autosomal recessive inheritance. Observed: 1 variant allele.
Comment: The p.Arg127X variant in STRC has not been previously reported in individuals wi th hearing loss. Data from large population studies are insufficient to assess t he frequency of this variant in the general population accurately. This nonsens e variant leads to a premature termination codon at position 127, which is predi cted to lead to a truncated or absent protein. Loss of function of the STRC gene is an established disease mechanism in autosomal recessive hearing loss. In sum mary, this variant meets criteria to be classified as pathogenic for hearing los s in an autosomal recessive manner.

NM_153700.2(STRC):c.379C>T (p.Arg127Ter)

Gene: STRC (stereocilin; minus strand). Cytogenetic location: 15q15.3.
Variant type: single nucleotide variant.
Coding change: c.379C>T on transcript NM_153700.2 (MANE Select); coding-DNA position 379, C replaced by T.
Protein change: p.Arg127Ter; replaces arginine 127 with a stop codon.
Molecular consequence: nonsense.
Genome position (GRCh38, 1-based): chr15:43,618,042, G>A on the plus strand (C>T on the coding strand, the complement: STRC is on the minus strand). VCF-style: chr15-43618042-G-A. GRCh37 (hg19) VCF-style: chr15-43910240-G-A.
Other names: short protein forms R127*.
Identifiers: ClinVar variation 505325 (VCV000505325.8), dbSNP rs771264491, ClinGen allele CA7528479.